The following is an entry in ClinVar:

ClinVar aggregate classification (germline): Uncertain significance. Review status: criteria provided, multiple submitters, no conflicts (2 of 4 stars). 2 submissions from 2 submitters: Uncertain significance (2). Last evaluated 2025-04-15.

Conditions:
Inborn genetic diseases. Identifiers: MedGen C0950123, MeSH D030342.

Submissions (2):

Ambry Genetics
Classification: Uncertain significance for Inborn genetic diseases. Last evaluated: 2025-04-15. Review status: criteria provided, single submitter. Criteria: Ambry Variant Classification Scheme 2023. Collection method: clinical testing. Allele origin: germline.

Labcorp Genetics (formerly Invitae), Labcorp
Classification: Uncertain significance. Last evaluated: 2022-05-14. Review status: criteria provided, single submitter. Criteria: Invitae Variant Classification Sherloc (09022015). Collection method: clinical testing. Allele origin: germline.
Comment: This variant has not been reported in the literature in individuals affected with CFH-related conditions. In summary, the available evidence is currently insufficient to determine the role of this variant in disease. Therefore, it has been classified as a Variant of Uncertain Significance. Algorithms developed to predict the effect of missense changes on protein structure and function output the following: SIFT: "Tolerated"; PolyPhen-2: "Benign"; Align-GVGD: "Class C0". The valine amino acid residue is found in multiple mammalian species, which suggests that this missense change does not adversely affect protein function. This variant is not present in population databases (gnomAD no frequency). This sequence change replaces isoleucine, which is neutral and non-polar, with valine, which is neutral and non-polar, at codon 1033 of the CFH protein (p.Ile1033Val).

NM_000186.4(CFH):c.3097A>G (p.Ile1033Val)

Gene: CFH (complement factor H; plus strand). Cytogenetic location: 1q31.3.
Variant type: single nucleotide variant.
Coding change: c.3097A>G on transcript NM_000186.4 (MANE Select); coding-DNA position 3097, A replaced by G.
Protein change: p.Ile1033Val; replaces isoleucine 1033 with valine.
Molecular consequence: missense variant.
Genome position (GRCh38, 1-based): chr1:196,742,015, A>G. VCF-style: chr1-196742015-A-G. GRCh37 (hg19) VCF-style: chr1-196711145-A-G.
Other names: short protein forms I1033V.
Identifiers: ClinVar variation 1994447 (VCV001994447.5), dbSNP rs2529545410, ClinGen allele CA343982009.